The following is an entry in ClinVar:

ClinVar aggregate classification (germline): Uncertain significance (1 of 4 stars; one submission).

Allele frequency attached by ClinVar (database versions not stated): ExAC 0.00001; gnomAD 0.00002; gnomAD exomes 0.00002; TOPMed 0.00002.
gnomAD v4.1: 31 of 1,613,890 alleles (0.0019%); highest among the groups gnomAD compares: Non-Finnish European, 0.0026%; no homozygotes.

Submissions (2):

Labcorp Genetics (formerly Invitae), Labcorp
Classification: Uncertain significance. Last evaluated: 2022-04-12. Review status: criteria provided, single submitter. Criteria: Invitae Variant Classification Sherloc (09022015). Collection method: clinical testing. Allele origin: germline.
Comment: This sequence change affects codon 755 of the VPS11 mRNA. It is a 'silent' change, meaning that it does not change the encoded amino acid sequence of the VPS11 protein. It affects a nucleotide within the consensus splice site. This variant is present in population databases (rs782349615, gnomAD 0.0009%). This variant has not been reported in the literature in individuals affected with VPS11-related conditions. Algorithms developed to predict the effect of sequence changes on RNA splicing suggest that this variant may create or strengthen a splice site. In summary, the available evidence is currently insufficient to determine the role of this variant in disease. Therefore, it has been classified as a Variant of Uncertain Significance.

Dr. Peter K. Rogan Lab, Western University
No classification provided (evidence only). Condition: Thymoma. Review status: no classification provided. Collection method: in vitro. Allele origin: not applicable. Functional consequence: retained intron. Not counted in ClinVar's aggregate classification.

NM_021729.6(VPS11):c.2265A>G (p.Leu755=)

Gene: VPS11 (VPS11 core subunit of CORVET and HOPS complexes; plus strand). Cytogenetic location: 11q23.3.
Variant type: single nucleotide variant.
Coding change: c.2265A>G on transcript NM_021729.6 (MANE Select); coding-DNA position 2265, A replaced by G.
Protein change: p.Leu755=; no amino-acid change (leucine 755 retained).
Molecular consequence: synonymous variant. On other transcripts: non-coding transcript variant (8).
Genome position (GRCh38, 1-based): chr11:119,078,996, A>G. VCF-style: chr11-119078996-A-G. GRCh37 (hg19) VCF-style: chr11-118949706-A-G.
Other names: c.2235A>G, p.Leu745= (NM_001290185.2); c.2277A>G, p.Leu759= (NM_001378218.1, NM_001378219.1); c.2250A>G, p.Leu750= (NM_001378220.1); c.2247A>G, p.Leu749= (NM_001378221.1).
Identifiers: ClinVar variation 1978802 (VCV001978802.2), dbSNP rs782349615, ClinGen allele CA6313661.